The following is an entry in ClinVar:

NM_000069.3(CACNA1S):c.929C>G (p.Pro310Arg)

Gene: CACNA1S (calcium voltage-gated channel subunit alpha1 S; minus strand). Cytogenetic location: 1q32.1.
Variant type: single nucleotide variant.
Coding change: c.929C>G on transcript NM_000069.3 (MANE Select); coding-DNA position 929, C replaced by G.
Protein change: p.Pro310Arg; replaces proline 310 with arginine.
Molecular consequence: missense variant.
Genome position (GRCh38, 1-based): chr1:201,087,901, G>C on the plus strand (C>G on the coding strand, the complement: CACNA1S is on the minus strand). VCF-style: chr1-201087901-G-C. GRCh37 (hg19) VCF-style: chr1-201057029-G-C.
Other names: short protein forms P310R.
Identifiers: ClinVar variation 1708956 (VCV001708956.3), dbSNP rs776790942, ClinGen allele CA084067.

ClinVar aggregate classification (germline): Uncertain significance. Review status: criteria provided, multiple submitters, no conflicts (2 of 4 stars). 2 submissions from 2 submitters: Uncertain significance (2). Last evaluated 2023-08-15.

Conditions:
Hypokalemic periodic paralysis, type 1. Also called: HypoPP; Hypokalemic Periodic Paralysis Type 1 (AD). Identifiers: Orphanet 681, MedGen C3714580, MONDO:0042979, OMIM 170400.
Malignant hyperthermia, susceptibility to, 5 (MHS5). Also called: CACNA1S-Related Malignant Hyperthermia Susceptibility. Identifiers: Orphanet 423, MedGen C1866077, MONDO:0011163, OMIM 601887.

Allele frequency attached by ClinVar (database versions not stated): gnomAD exomes below 0.00001; ExAC 0.00001; gnomAD 0.00001.
gnomAD v4.1: 3 of 1,613,426 alleles (0.00019%); highest among the groups gnomAD compares: African/African-American, 0.0013%; no homozygotes.

Submissions (2):

All of Us Research Program, National Institutes of Health
Classification: Uncertain significance for Malignant hyperthermia, susceptibility to, 5. Last evaluated: 2023-08-15. Review status: criteria provided, single submitter. Criteria: ACMG Guidelines, 2015. Collection method: clinical testing. Allele origin: germline. Inheritance: Autosomal dominant inheritance. Observed: 1 variant allele, 1 heterozygote.
Comment: This missense variant replaces proline with arginine at codon 310 of the CACNA1S protein. Computational prediction suggests that this variant may have deleterious impact on protein structure and function (internally defined REVEL score threshold >= 0.7, PMID: 27666373). To our knowledge, functional studies have not been reported for this variant. This variant has not been reported in individuals affected with CACNA1S-related disorders in the literature. This variant has been identified in 1/250950 chromosomes in the general population by the Genome Aggregation Database (gnomAD). The available evidence is insufficient to determine the role of this variant in disease conclusively. Therefore, this variant is classified as a Variant of Uncertain Significance.

This study involves interpretation of variants in research participants for the purpose of population health screening. Participant phenotype was not available at the time of variant classification. Additional details can be found in publication PMID: 35346344, PMCID: PMC8962531

MGZ Medical Genetics Center
Classification: Uncertain significance for Hypokalemic periodic paralysis, type 1. Last evaluated: 2021-11-16. Review status: criteria provided, single submitter. Criteria: ACMG Guidelines, 2015. Collection method: clinical testing. Allele origin: germline. Affected: yes. Observed: 1 variant allele.
Comment: ACMG criteria applied: PM2_SUP, PP3